The following is an entry in ClinVar:

ClinVar aggregate classification (germline): Benign (1 of 4 stars; one submission).

Conditions:
Familial cancer of breast. Also called: BREAST CANCER, FAMILIAL; Hereditary breast cancer; hereditary breast carcinoma. Identifiers: Orphanet 227535, MedGen C0346153, MONDO:0016419, OMIM 114480. Disease mechanism: loss of function.

Submission:

Myriad Genetics, Inc.
Classification: Benign for Familial cancer of breast. Last evaluated: 2024-04-24. Review status: criteria provided, single submitter. Criteria: Myriad Autosomal Dominant, Autosomal Recessive and X-Linked Classification Criteria (2023). Collection method: clinical testing. Allele origin: unknown.
Comment: This variant is considered benign. This variant is a silent/synonymous amino acid change and it is not expected to impact splicing.

NM_000051.4(ATM):c.906T>G (p.Ala302=)

Gene: ATM (ATM serine/threonine kinase; plus strand). Cytogenetic location: 11q22.3.
Variant type: single nucleotide variant.
Coding change: c.906T>G on transcript NM_000051.4 (MANE Select); coding-DNA position 906, T replaced by G.
Protein change: p.Ala302=; no amino-acid change (alanine 302 retained).
Molecular consequence: synonymous variant.
Genome position (GRCh38, 1-based): chr11:108,246,968, T>G. VCF-style: chr11-108246968-T-G. GRCh37 (hg19) VCF-style: chr11-108117695-T-G.
Other names: c.906T>G, p.Ala302= (NM_001351834.2).
Identifiers: ClinVar variation 3253873 (VCV003253873.1), dbSNP rs2135264643.
Genomic context (GRCh38, chr11:108,246,968, plus strand): 5'-AGCAGTGTAAACAGAGTACATACATAAAAATTACATTTTAATTTTTTGGATTACAGGTGC[T>G]TATGAATCAACAAAATGGAGAAGTATTTTATACAACTTATATGATCTGCTAGTGAATGAG-3'
Protein context (NP_000042.3, residues 292-312): PKGAKTQEKG[Ala302=]YESTKWRSIL